The following is an entry in ClinVar:

NM_007294.4(BRCA1):c.1161C>T (p.Ser387=)

Gene: BRCA1 (BRCA1 DNA repair associated; minus strand). Cytogenetic location: 17q21.31.
Variant type: single nucleotide variant.
Coding change: c.1161C>T on transcript NM_007294.4 (MANE Select); coding-DNA position 1161, C replaced by T.
Protein change: p.Ser387=; no amino-acid change (serine 387 retained).
Molecular consequence: synonymous variant. On other transcripts: intron variant (137).
Genome position (GRCh38, 1-based): chr17:43,094,370, G>A on the plus strand (C>T on the coding strand, the complement: BRCA1 is on the minus strand). VCF-style: chr17-43094370-G-A. GRCh37 (hg19) VCF-style: chr17-41246387-G-A.
Other names: c.897C>T, p.Ser299= (NM_001407924.1, NM_001407925.1, NM_001407926.1 and 9 more transcripts); c.894C>T, p.Ser298= (NM_001407930.1, NM_001407931.1, NM_001407932.1 and 2 more transcripts); c.1038C>T, p.Ser346= (NM_001407937.1, NM_001407938.1, NM_001407939.1 and 19 more transcripts); c.1035C>T, p.Ser345= (NM_001407940.1, NM_001407941.1, NM_001407649.1 and 11 more transcripts); c.1020C>T, p.Ser340= (NM_001407942.1, NM_001407944.1, NM_001407945.1 and 29 more transcripts); c.1017C>T, p.Ser339= (NM_001407943.1, NM_001407964.1, NM_001407740.1 and 20 more transcripts); c.828C>T, p.Ser276= (NM_001407946.1, NM_001407947.1, NM_001407948.1 and 6 more transcripts); c.825C>T, p.Ser275= (NM_001407954.1, NM_001407955.1, NM_001407956.1 and 1 more transcripts); and 40 more.
Identifiers: ClinVar variation 747983 (VCV000747983.18), dbSNP rs1597877741, ClinGen allele CA500233961.

ClinVar aggregate classification (germline): Likely benign. Review status: criteria provided, multiple submitters, no conflicts (2 of 4 stars). 4 submissions from 4 submitters: Likely benign (4). Last evaluated 2023-11-02.

Conditions:
Hereditary breast ovarian cancer syndrome. Also called: BRCA1- and BRCA2-Associated Hereditary Breast and Ovarian Cancer; Hereditary breast and ovarian cancer syndrome (HBOC); Hereditary breast and ovarian cancer syndrome; Breast and ovarian cancer; Hereditary breast and ovarian cancer; Hereditary breast and/or ovarian cancer syndrome. Identifiers: Orphanet 145, MedGen C0677776, MeSH D061325, MONDO:0003582. Disease mechanism: loss of function.
Hereditary cancer-predisposing syndrome. Also called: Hereditary Cancer Syndrome; Hereditary neoplastic syndrome; Neoplastic Syndromes, Hereditary; Tumor predisposition. Identifiers: Orphanet 140162, MedGen C0027672, MeSH D009386, MONDO:0015356.
Breast-ovarian cancer, familial, susceptibility to, 1 (BROVCA1). Also called: OVARIAN CANCER, SUSCEPTIBILITY TO; BRCA1 Hereditary Breast and Ovarian Cancer. Identifiers: Orphanet 145, MedGen C2676676, MONDO:0011450, OMIM 604370. Disease mechanism: loss of function.

Submissions (4):

All of Us Research Program, National Institutes of Health
Classification: Likely benign for Breast-ovarian cancer, familial, susceptibility to, 1. Last evaluated: 2023-11-02. Review status: criteria provided, single submitter. Criteria: ACMG Guidelines, 2015. Collection method: clinical testing. Allele origin: germline. Inheritance: Autosomal dominant inheritance. Observed: 1 variant allele, 1 heterozygote.
Comment: This study involves interpretation of variants in research participants for the purpose of population health screening. Participant phenotype was not available at the time of variant classification. Additional details can be found in publication PMID: 35346344, PMCID: PMC8962531

Labcorp Genetics (formerly Invitae), Labcorp
Classification: Likely benign for Hereditary breast ovarian cancer syndrome. Last evaluated: 2023-02-23. Review status: criteria provided, single submitter. Criteria: Invitae Variant Classification Sherloc (09022015). Collection method: clinical testing. Allele origin: germline.

Women's Health and Genetics/Laboratory Corporation of America, LabCorp
Classification: Likely benign. Last evaluated: 2022-09-16. Review status: criteria provided, single submitter. Criteria: LabCorp Variant Classification Summary - May 2015. Collection method: clinical testing. Allele origin: germline.

Ambry Genetics
Classification: Likely benign for Hereditary cancer-predisposing syndrome. Last evaluated: 2019-12-14. Review status: criteria provided, single submitter. Criteria: Ambry Variant Classification Scheme 2023. Collection method: clinical testing. Allele origin: germline.